The following is an entry in ClinVar:

NC_000022.10:g.(?_37154355)_(39148633_?)del

Genes: ANKRD54 (ankyrin repeat domain 54; minus strand), BAIAP2L2 (BAR/IMD domain containing adaptor protein 2 like 2; minus strand), C1QTNF6 (C1q and TNF related 6; minus strand), C22orf23 (chromosome 22 open reading frame 23; minus strand), CARD10 (caspase recruitment domain family member 10; minus strand) and 47 more. Cytogenetic location: 22q12.3-13.1.
Variant type: Deletion.
Identifiers: ClinVar variation 2424101 (VCV002424101.4).

ClinVar aggregate classification (germline): Conflicting classifications of pathogenicity. Review status: criteria provided, conflicting classifications (1 of 4 stars). 3 submissions from 1 submitter: Pathogenic (1); Uncertain significance (1). 1 of the submissions does not count toward it. Last evaluated 2022-10-07.

Conditions:
Myoclonic dystonia 26. Identifiers: MedGen C4225341, MONDO:0014620, OMIM 616398.
Infantile neuroaxonal dystrophy (NBIA2A). Also called: Infantile neuroaxonal dystrophy 1; NEURODEGENERATION WITH BRAIN IRON ACCUMULATION 2A; SEITELBERGER DISEASE. Identifiers: Orphanet 35069, MedGen C0270724, MONDO:0024457, OMIM 256600.
Emery-Dreifuss muscular dystrophy (EDMD). Also called: Scapuloperoneal syndrome, X-linked (formerly); Humeroperoneal neuromuscular disease, (formerly). Identifiers: Orphanet 261, MedGen C0410189, MONDO:0016830.

Submissions (3):

Labcorp Genetics (formerly Invitae), Labcorp
Classification: Pathogenic for Infantile neuroaxonal dystrophy. Last evaluated: 2022-10-07. Review status: criteria provided, single submitter. Criteria: Invitae Variant Classification Sherloc (09022015). Collection method: clinical testing. Allele origin: germline.
Comment: A gross deletion of the genomic region encompassing the full coding sequence of the PLA2G6 gene has been identified. Loss-of-function variants in PLA2G6 are known to be pathogenic (PMID: 16783378, 18570303, 18799783, 22213678). The boundaries of this event are unknown as they extend beyond the assayed region for this gene and therefore may encompass additional genes. This variant has not been reported in the literature in individuals affected with PLA2G6-related conditions. For these reasons, this variant has been classified as Pathogenic.

Labcorp Genetics (formerly Invitae), Labcorp
Classification: Uncertain significance for Myoclonic dystonia 26. Last evaluated: 2022-10-07. Review status: criteria provided, single submitter. Criteria: Invitae Variant Classification Sherloc (09022015). Collection method: clinical testing. Allele origin: germline.
Comment: This variant has not been reported in the literature in individuals affected with KCTD17-related conditions. In summary, the available evidence is currently insufficient to determine the role of this variant in disease. Therefore, it has been classified as a Variant of Uncertain Significance. A gross deletion of the genomic region encompassing the full coding sequence of the KCTD17 gene has been identified. The current clinical and genetic evidence is not sufficient to establish whether loss-of-function variants in KCTD17 cause disease. The boundaries of this event are unknown as they extend beyond the assayed region for this gene and therefore may encompass additional genes.

Labcorp Genetics (formerly Invitae), Labcorp
Classification: Uncertain significance for Emery-Dreifuss muscular dystrophy. Last evaluated: 2022-10-07. Review status: flagged submission. Criteria: Invitae Variant Classification Sherloc (09022015). Collection method: clinical testing. Allele origin: germline. Not counted in ClinVar's aggregate classification.
Comment: A gross deletion of the genomic region encompassing the full coding sequence of the SUN2 gene has been identified. The current clinical and genetic evidence is not sufficient to establish whether loss-of-function variants in SUN2 cause disease. The boundaries of this event are unknown as they extend beyond the assayed region for this gene and therefore may encompass additional genes. This variant has not been reported in the literature in individuals affected with SUN2-related conditions. In summary, the available evidence is currently insufficient to determine the role of this variant in disease. Therefore, it has been classified as a Variant of Uncertain Significance.
ClinVar note: Notes: This submission was flagged because its interpretation of this variant conflicts with the ClinGen Gene Dosage Map curation for the gene SOX10.
ClinVar note: Reason: Conflict with ClinGen Gene Dosage Map

Literature cited by the submitters: PubMed 16783378; PubMed 18570303; PubMed 18799783; PubMed 22213678.